The following is an entry in ClinVar:

NM_198282.4(STING1):c.620G>T (p.Gly207Val)

Gene: STING1 (stimulator of interferon response cGAMP interactor 1; minus strand). Cytogenetic location: 5q31.2.
Variant type: single nucleotide variant.
Coding change: c.620G>T on transcript NM_198282.4 (MANE Select); coding-DNA position 620, G replaced by T.
Protein change: p.Gly207Val; replaces glycine 207 with valine.
Molecular consequence: missense variant.
Genome position (GRCh38, 1-based): chr5:139,478,409, C>A on the plus strand (G>T on the coding strand, the complement: STING1 is on the minus strand). VCF-style: chr5-139478409-C-A. GRCh37 (hg19) VCF-style: chr5-138857994-C-A.
Other names: c.620G>T, p.Gly207Val (NM_001301738.2); c.263G>T, p.Gly88Val (NM_001367258.1); short protein forms G88V, G207V.
Identifiers: ClinVar variation 2010367 (VCV002010367.4), dbSNP rs2547063041, ClinGen allele CA361480155.

ClinVar aggregate classification (germline): Uncertain significance (1 of 4 stars; one submission).

Conditions:
STING-associated vasculopathy with onset in infancy. Also called: Sting-associated vasculopathy, infantile-onset. Identifiers: Orphanet 425120, MedGen C4014722, MONDO:0014405, OMIM 615934.

Submission:

Labcorp Genetics (formerly Invitae), Labcorp
Classification: Uncertain significance for STING-associated vasculopathy with onset in infancy. Last evaluated: 2024-12-16. Review status: criteria provided, single submitter. Criteria: Invitae Variant Classification Sherloc (09022015). Collection method: clinical testing. Allele origin: germline.
Comment: This sequence change replaces glycine, which is neutral and non-polar, with valine, which is neutral and non-polar, at codon 207 of the TMEM173 protein (p.Gly207Val). This variant is not present in population databases (gnomAD no frequency). This variant has not been reported in the literature in individuals affected with TMEM173-related conditions. ClinVar contains an entry for this variant (Variation ID: 2010367). Invitae Evidence Modeling of protein sequence and biophysical properties (such as structural, functional, and spatial information, amino acid conservation, physicochemical variation, residue mobility, and thermodynamic stability) indicates that this missense variant is not expected to disrupt TMEM173 protein function with a negative predictive value of 80%. In summary, the available evidence is currently insufficient to determine the role of this variant in disease. Therefore, it has been classified as a Variant of Uncertain Significance.